The following is an entry in ClinVar:

NM_152424.4(AMER1):c.82G>A (p.Gly28Arg)

Gene: AMER1 (APC membrane recruitment protein 1; minus strand). Cytogenetic location: Xq11.2.
Variant type: single nucleotide variant.
Coding change: c.82G>A on transcript NM_152424.4 (MANE Select); coding-DNA position 82, G replaced by A.
Protein change: p.Gly28Arg; replaces glycine 28 with arginine.
Molecular consequence: missense variant.
Genome position (GRCh38, 1-based): chrX:64,193,205, C>T on the plus strand (G>A on the coding strand, the complement: AMER1 is on the minus strand). VCF-style: chrX-64193205-C-T. GRCh37 (hg19) VCF-style: chrX-63413085-C-T.
Other names: short protein forms G28R.
Identifiers: ClinVar variation 1702628 (VCV001702628.2), dbSNP rs2147091394, ClinGen allele CA413313796.

ClinVar aggregate classification (germline): Uncertain significance (1 of 4 stars; one submission).

Allele frequency attached by ClinVar (database versions not stated): gnomAD exomes 0.00002.
gnomAD v4.1: 22 of 1,211,914 alleles (0.0018%); highest among the groups gnomAD compares: Non-Finnish European, 0.0023%; no homozygotes.

Submission:

GeneDx
Classification: Uncertain significance. Last evaluated: 2022-02-22. Review status: criteria provided, single submitter. Criteria: GeneDx Variant Classification Process June 2021. Collection method: clinical testing. Allele origin: germline. Affected: yes.
Comment: Not observed at significant frequency in large population cohorts (gnomAD); In silico analysis supports that this missense variant does not alter protein structure/function; Has not been previously published as pathogenic or benign to our knowledge